The following is an entry in ClinVar:

ClinVar aggregate classification (germline): Uncertain significance (1 of 4 stars; one submission).

Allele frequency attached by ClinVar (database versions not stated): ExAC 0.00001.
gnomAD v4.1: 4 of 1,613,756 alleles (0.00025%); highest among the groups gnomAD compares: South Asian, 0.0044%; no homozygotes.

Submission:

Labcorp Genetics (formerly Invitae), Labcorp
Classification: Uncertain significance. Last evaluated: 2023-06-06. Review status: criteria provided, single submitter. Criteria: Invitae Variant Classification Sherloc (09022015). Collection method: clinical testing. Allele origin: germline.
Comment: This sequence change replaces proline, which is neutral and non-polar, with alanine, which is neutral and non-polar, at codon 857 of the CACNA1D protein (p.Pro857Ala). This variant is present in population databases (rs768629978, gnomAD 0.01%). This variant has not been reported in the literature in individuals affected with CACNA1D-related conditions. ClinVar contains an entry for this variant (Variation ID: 1358629). Advanced modeling of protein sequence and biophysical properties (such as structural, functional, and spatial information, amino acid conservation, physicochemical variation, residue mobility, and thermodynamic stability) performed at Invitae indicates that this missense variant is not expected to disrupt CACNA1D protein function. In summary, the available evidence is currently insufficient to determine the role of this variant in disease. Therefore, it has been classified as a Variant of Uncertain Significance.

NM_001128840.3(CACNA1D):c.2509C>G (p.Pro837Ala)

Gene: CACNA1D (calcium voltage-gated channel subunit alpha1 D; plus strand). Cytogenetic location: 3p21.1.
Variant type: single nucleotide variant.
Coding change: c.2509C>G on transcript NM_001128840.3 (MANE Select); coding-DNA position 2509, C replaced by G.
Protein change: p.Pro837Ala; replaces proline 837 with alanine.
Molecular consequence: missense variant.
Genome position (GRCh38, 1-based): chr3:53,732,850, C>G. VCF-style: chr3-53732850-C-G. GRCh37 (hg19) VCF-style: chr3-53766877-C-G.
Other names: c.2569C>G, p.Pro857Ala (NM_000720.4); c.2509C>G, p.Pro837Ala (NM_001128839.3); short protein forms P837A, P857A.
Identifiers: ClinVar variation 1358629 (VCV001358629.8), dbSNP rs768629978, ClinGen allele CA2454271.